The following is an entry in ClinVar:

NM_000268.4(NF2):c.648_649dup (p.Tyr217fs)

Gene: NF2 (NF2, moesin-ezrin-radixin like (MERLIN) tumor suppressor; plus strand). Cytogenetic location: 22q12.2.
Variant type: Duplication.
Coding change: c.648_649dup on transcript NM_000268.4 (MANE Select); coding-DNA positions 648 to 649, 2 bases duplicated (GT; older notation c.648_649dupGT).
Protein change: p.Tyr217fs; shifts the reading frame from tyrosine 217.
Molecular consequence: frameshift variant. On other transcripts: non-coding transcript variant (1), intron variant (1).
Genome position (GRCh38, 1-based): chr22:29,658,237-29,658,238, GT duplicated; duplicating any 2 consecutive bases within chr22:29,658,236-29,658,238 gives the same sequence; the c. name uses the placement nearest the transcript's 3' end. VCF-style (leftmost placement, unchanged base first): chr22-29658235-A-ATG. GRCh37 (hg19) VCF-style: chr22-30054224-A-ATG.
Other names: c.648_649dup, p.Tyr217fs (NM_016418.5, NM_181825.3, NM_181832.3); c.522_523dup, p.Tyr175fs (NM_181828.3); c.525_526dup, p.Tyr176fs (NM_181829.3); c.399_400dup, p.Tyr134fs (NM_181830.3, NM_181831.3); c.447+15952_447+15953dup (NM_181833.3); short protein forms Y134fs, Y175fs, Y176fs, Y217fs.
Identifiers: ClinVar variation 1070353 (VCV001070353.7), dbSNP rs2146990314, ClinGen allele CA2499226121.

ClinVar aggregate classification (germline): Pathogenic (1 of 4 stars; one submission).

Conditions:
Neurofibromatosis, type 2 (SWNV). Also called: BILATERAL ACOUSTIC NEUROFIBROMATOSIS; SCHWANNOMATOSIS, VESTIBULAR; NF2-Related Schwannomatosis. Identifiers: Orphanet 637, MedGen C0027832, MONDO:0007039, OMIM 101000. Disease mechanism: loss of function.

Submission:

Labcorp Genetics (formerly Invitae), Labcorp
Classification: Pathogenic for Neurofibromatosis, type 2. Last evaluated: 2020-05-27. Review status: criteria provided, single submitter. Criteria: Invitae Variant Classification Sherloc (09022015). Collection method: clinical testing. Allele origin: germline.
Comment: This sequence change creates a premature translational stop signal (p.Tyr217Cysfs*4) in the NF2 gene. It is expected to result in an absent or disrupted protein product. This variant is not present in population databases (ExAC no frequency). This variant has not been reported in the literature in individuals with NF2-related conditions. Algorithms developed to predict the effect of sequence changes on RNA splicing suggest that this variant may create or strengthen a splice site, but this prediction has not been confirmed by published transcriptional studies. Loss-of-function variants in NF2 are known to be pathogenic (PMID: 9643284, 16983642). For these reasons, this variant has been classified as Pathogenic.

Literature cited by the submitters: PubMed 9643284; PubMed 16983642.